The following is an entry in ClinVar:

ClinVar aggregate classification (germline): Uncertain significance (1 of 4 stars; one submission).

Allele frequency attached by ClinVar (database versions not stated): TOPMed below 0.00001; ExAC 0.00001; gnomAD exomes 0.00001.
gnomAD v4.1: 3 of 1,613,852 alleles (0.00019%); highest among the groups gnomAD compares: South Asian, 0.0022%; no homozygotes.

Submission:

Labcorp Genetics (formerly Invitae), Labcorp
Classification: Uncertain significance. Last evaluated: 2022-11-28. Review status: criteria provided, single submitter. Criteria: Invitae Variant Classification Sherloc (09022015). Collection method: clinical testing. Allele origin: germline.
Comment: Advanced modeling of protein sequence and biophysical properties (such as structural, functional, and spatial information, amino acid conservation, physicochemical variation, residue mobility, and thermodynamic stability) performed at Invitae indicates that this missense variant is not expected to disrupt JAK1 protein function. In summary, the available evidence is currently insufficient to determine the role of this variant in disease. Therefore, it has been classified as a Variant of Uncertain Significance. This variant has not been reported in the literature in individuals affected with JAK1-related conditions. This sequence change replaces tyrosine, which is neutral and polar, with cysteine, which is neutral and slightly polar, at codon 654 of the JAK1 protein (p.Tyr654Cys). This variant is present in population databases (rs758681867, gnomAD 0.0009%).

NM_002227.4(JAK1):c.1961A>G (p.Tyr654Cys)

Genes: JAK1 (Janus kinase 1; minus strand), LOC126805749 (BRD4-independent group 4 enhancer GRCh37_chr1:65312286-65313485; plus strand). Cytogenetic location: 1p31.3.
Variant type: single nucleotide variant.
Coding change: c.1961A>G on transcript NM_002227.4 (MANE Select); coding-DNA position 1961, A replaced by G.
Protein change: p.Tyr654Cys; replaces tyrosine 654 with cysteine.
Molecular consequence: missense variant.
Genome position (GRCh38, 1-based): chr1:64,846,675, T>C on the plus strand (A>G on the coding strand, the complement: JAK1 is on the minus strand). VCF-style: chr1-64846675-T-C. GRCh37 (hg19) VCF-style: chr1-65312358-T-C.
Other names: c.1961A>G, p.Tyr654Cys (NM_001320923.2, NM_001321852.2, NM_001321853.2 and 3 more transcripts); c.1958A>G, p.Tyr653Cys (NM_001321857.2); short protein forms Y653C, Y654C.
Identifiers: ClinVar variation 1999361 (VCV001999361.4), dbSNP rs758681867, ClinGen allele CA892791.
Genomic context (GRCh38, chr1:64,846,675, plus strand): 5'-GGCCACCCACCCCTTTGAAAGAGAACACACTTACTCTCCACGTCGCGGACACAGACGCCA[T>C]AGAGGTACACGATGTGTTTGTGGGAGACCTGTCTCATCATGCTGGCTGCCTCGAAGAAGG-3'
Protein context (NP_002218.2, residues 644-664): QVSHKHIVYL[Tyr654Cys]GVCVRDVENI